The following is an entry in ClinVar:

NM_000260.4(MYO7A):c.6346G>A (p.Glu2116Lys)

Gene: MYO7A (myosin VIIA; plus strand). Cytogenetic location: 11q13.5.
Variant type: single nucleotide variant.
Coding change: c.6346G>A on transcript NM_000260.4 (MANE Select); coding-DNA position 6346, G replaced by A.
Protein change: p.Glu2116Lys; replaces glutamic acid 2116 with lysine.
Molecular consequence: missense variant.
Genome position (GRCh38, 1-based): chr11:77,211,929, G>A. VCF-style: chr11-77211929-G-A. GRCh37 (hg19) VCF-style: chr11-76922974-G-A.
Other names: c.6232G>A, p.Glu2078Lys (NM_001127180.2); c.6199G>A, p.Glu2067Lys (NM_001369365.1); short protein forms E2116K, E2078K, E2067K.
Identifiers: ClinVar variation 836300 (VCV000836300.9), dbSNP rs781592754, ClinGen allele CA6199002.
Genomic context (GRCh38, chr11:77,211,929, plus strand): 5'-GCCAAGCTGGCCTTCCTGAAGCTCATCTTCAAGTGGCCCACCTTTGGCTCAGCCTTCTTC[G>A]AGGTGAAGGTACACCATGGGCTTCTCAGAGCAGAGGAGGAGGGGAACAGGGCATTGATAA-3'
Protein context (NP_000251.3, residues 2106-2126): KWPTFGSAFF[Glu2116Lys]VKQTTEPNFP

ClinVar aggregate classification (germline): Uncertain significance. Review status: criteria provided, multiple submitters, no conflicts (2 of 4 stars). 5 submissions from 5 submitters: Uncertain significance (4). 1 of the submissions does not count toward it. Last evaluated 2026-01-27.

Conditions:
MYO7A-related disorder. Also called: MYO7A-related disorders.
Inborn genetic diseases. Identifiers: MedGen C0950123, MeSH D030342.
Usher syndrome type 1B (USH1B). Also called: Usher syndrome type IB. Identifiers: MedGen C1848638, MONDO:0700087.

Allele frequency attached by ClinVar (database versions not stated): gnomAD exomes 0.00002 and 0.00004; ExAC 0.00006.
gnomAD v4.1: 43 of 1,613,046 alleles (0.0027%); highest among the groups gnomAD compares: South Asian, 0.023%; 1 homozygote.

Submissions (5):

Labcorp Genetics (formerly Invitae), Labcorp
Classification: Uncertain significance. Last evaluated: 2026-01-27. Review status: criteria provided, single submitter. Criteria: Invitae Variant Classification Sherloc (09022015). Collection method: clinical testing. Allele origin: germline.
Comment: This sequence change replaces glutamic acid, which is acidic and polar, with lysine, which is basic and polar, at codon 2116 of the MYO7A protein (p.Glu2116Lys). This variant is present in population databases (rs781592754, gnomAD 0.02%). This variant has not been reported in the literature in individuals affected with MYO7A-related conditions. ClinVar contains an entry for this variant (Variation ID: 836300). Invitae Evidence Modeling of protein sequence and biophysical properties (such as structural, functional, and spatial information, amino acid conservation, physicochemical variation, residue mobility, and thermodynamic stability) indicates that this missense variant is not expected to disrupt MYO7A protein function with a negative predictive value of 95%. Algorithms developed to predict the effect of sequence changes on RNA splicing suggest that this variant may create or strengthen a splice site. In summary, the available evidence is currently insufficient to determine the role of this variant in disease. Therefore, it has been classified as a Variant of Uncertain Significance.

PreventionGenetics, part of Exact Sciences
Classification: Uncertain significance for MYO7A-related condition. Last evaluated: 2025-12-22. Review status: criteria provided, single submitter. Criteria: ACMG Guidelines, 2015. Collection method: clinical testing. Allele origin: germline.
Comment: The MYO7A c.6346G>A variant is predicted to result in the amino acid substitution p.Glu2116Lys. To our knowledge, this variant has not been reported in the literature. This variant is reported in 0.016% of alleles in individuals of South Asian descent in gnomAD. At this time, the clinical significance of this variant is uncertain due to the absence of conclusive functional and genetic evidence.

Ambry Genetics
Classification: Uncertain significance for Inborn genetic diseases. Last evaluated: 2025-11-20. Review status: criteria provided, single submitter. Criteria: Ambry Variant Classification Scheme 2023. Collection method: clinical testing. Allele origin: germline.

Blueprint Genetics
Classification: Uncertain significance. Last evaluated: 2022-04-05. Review status: criteria provided, single submitter. Criteria: ACMG Guidelines, 2015. Collection method: clinical testing. Allele origin: germline.

Natera, Inc.
Classification: Uncertain significance for Usher syndrome type 1B. Last evaluated: 2020-01-24. Review status: no assertion criteria provided. Collection method: clinical testing. Allele origin: germline. Not counted in ClinVar's aggregate classification.